The following is an entry in ClinVar:

ClinVar aggregate classification (germline): Uncertain significance (1 of 4 stars; one submission).

gnomAD v4.1: 1 of 1,614,050 alleles (0.000062%); highest among the groups gnomAD compares: East Asian, 0.0022%; no homozygotes.

Submission:

Greenwood Genetic Center Diagnostic Laboratories, Greenwood Genetic Center
Classification: Uncertain significance. Last evaluated: 2025-06-03. Review status: criteria provided, single submitter. Criteria: ACMG Guidelines, 2015. Collection method: clinical testing. Allele origin: germline. Affected: yes.
Comment: PM2, PP2

NM_016284.5(CNOT1):c.2591T>C (p.Met864Thr)

Gene: CNOT1 (CCR4-NOT transcription complex subunit 1; minus strand). Cytogenetic location: 16q21.
Variant type: single nucleotide variant.
Coding change: c.2591T>C on transcript NM_016284.5 (MANE Select); coding-DNA position 2591, T replaced by C.
Protein change: p.Met864Thr; replaces methionine 864 with threonine.
Molecular consequence: missense variant. On other transcripts: non-coding transcript variant (1).
Genome position (GRCh38, 1-based): chr16:58,555,797, A>G on the plus strand (T>C on the coding strand, the complement: CNOT1 is on the minus strand). VCF-style: chr16-58555797-A-G. GRCh37 (hg19) VCF-style: chr16-58589701-A-G.
Other names: c.2576T>C, p.Met859Thr (NM_001265612.2); c.2591T>C, p.Met864Thr (NM_206999.3); short protein forms M859T, M864T.
Identifiers: ClinVar variation 4538282 (VCV004538282.1).